The following is an entry in ClinVar:

NM_001321571.2(CAMK2D):c.1320C>G (p.Ser440Arg)

Gene: CAMK2D (calcium/calmodulin dependent protein kinase II delta; minus strand). Cytogenetic location: 4q26.
Variant type: single nucleotide variant.
Coding change: c.1320C>G on transcript NM_001321571.2 (MANE Select); coding-DNA position 1320, C replaced by G.
Protein change: p.Ser440Arg; replaces serine 440 with arginine.
Molecular consequence: missense variant.
Genome position (GRCh38, 1-based): chr4:113,457,550, G>C on the plus strand (C>G on the coding strand, the complement: CAMK2D is on the minus strand). VCF-style: chr4-113457550-G-C. GRCh37 (hg19) VCF-style: chr4-114378706-G-C.
Other names: c.1260C>G, p.Ser420Arg (NM_001321590.2, NM_001396964.1, NM_001321566.2 and 4 more transcripts); c.1293C>G, p.Ser431Arg (NM_001321591.2, NM_001321568.2, NM_001321573.2 and 1 more transcripts); c.1251C>G, p.Ser417Arg (NM_001396965.1, NM_001321582.2, NM_172129.2); c.1248C>G, p.Ser416Arg (NM_001396966.1, NM_001399857.1); c.1215C>G, p.Ser405Arg (NM_001396967.1, NM_001321574.2, NM_001321576.2); c.1317C>G, p.Ser439Arg (NM_001399855.1, NM_001399856.1, NM_001321586.2); c.1218C>G, p.Ser406Arg (NM_001399858.1, NM_001221.4, NM_172115.3 and 2 more transcripts); c.1320C>G, p.Ser440Arg (NM_001321567.2, NM_001321569.2, NM_001321570.2 and 2 more transcripts); and 9 more; short protein forms S210R, S224R, S276R, S311R, S366R, S367R, S381R, S405R.
Identifiers: ClinVar variation 4686994 (VCV004686994.2).

ClinVar aggregate classification (germline): Likely benign (1 of 4 stars; one submission).

Submission:

GeneDx
Classification: Likely benign. Last evaluated: 2026-04-08. Review status: criteria provided, single submitter. Criteria: GeneDx Variant Classification Process June 2021. Collection method: clinical testing. Allele origin: germline.
Comment: See Variant Classification Assertion Criteria.